The following is an entry in ClinVar:

NM_001481.3(DRC4):c.1427C>T (p.Thr476Ile)

Gene: DRC4 (dynein regulatory complex subunit 4; plus strand). Cytogenetic location: 16q24.3.
Variant type: single nucleotide variant.
Coding change: c.1427C>T on transcript NM_001481.3 (MANE Select); coding-DNA position 1427, C replaced by T.
Protein change: p.Thr476Ile; replaces threonine 476 with isoleucine.
Molecular consequence: missense variant. On other transcripts: non-coding transcript variant (1).
Genome position (GRCh38, 1-based): chr16:90,043,335, C>T. VCF-style: chr16-90043335-C-T. GRCh37 (hg19) VCF-style: chr16-90109743-C-T.
Other names: c.1178C>T, p.Thr393Ile (NM_001286205.2); c.851C>T, p.Thr284Ile (NM_001286208.2); c.1352C>T, p.Thr451Ile (NM_001286209.2); short protein forms T393I, T284I, T476I, T451I.
Identifiers: ClinVar variation 1356595 (VCV001356595.6), dbSNP rs753329361, ClinGen allele CA8258269.

ClinVar aggregate classification (germline): Uncertain significance (1 of 4 stars; one submission).

Conditions:
Primary ciliary dyskinesia 33. Also called: CILIARY DYSKINESIA, PRIMARY, 33, WITHOUT SITUS INVERSUS. Identifiers: Orphanet 244, MedGen C4225230, MONDO:0014750, OMIM 616726.

Allele frequency attached by ClinVar (database versions not stated): gnomAD 0.00001.
gnomAD v4.1: 16 of 1,595,198 alleles (0.001%); highest among the groups gnomAD compares: Non-Finnish European, 0.0014%; no homozygotes.

Submission:

Labcorp Genetics (formerly Invitae), Labcorp
Classification: Uncertain significance for Primary ciliary dyskinesia 33. Last evaluated: 2021-10-06. Review status: criteria provided, single submitter. Criteria: Invitae Variant Classification Sherloc (09022015). Collection method: clinical testing. Allele origin: germline.
Comment: In summary, the available evidence is currently insufficient to determine the role of this variant in disease. Therefore, it has been classified as a Variant of Uncertain Significance. Algorithms developed to predict the effect of missense changes on protein structure and function (SIFT, PolyPhen-2, Align-GVGD) all suggest that this variant is likely to be tolerated. This variant has not been reported in the literature in individuals affected with GAS8-related conditions. This variant is present in population databases (rs753329361, ExAC 0.002%). This sequence change replaces threonine with isoleucine at codon 476 of the GAS8 protein (p.Thr476Ile). The threonine residue is weakly conserved and there is a moderate physicochemical difference between threonine and isoleucine.